The following is an entry in ClinVar:

NM_001035.3(RYR2):c.14406A>G (p.Pro4802=)

Gene: RYR2 (ryanodine receptor 2; plus strand). Cytogenetic location: 1q43.
Variant type: single nucleotide variant.
Coding change: c.14406A>G on transcript NM_001035.3 (MANE Select); coding-DNA position 14406, A replaced by G.
Protein change: p.Pro4802=; no amino-acid change (proline 4802 retained).
Molecular consequence: synonymous variant.
Genome position (GRCh38, 1-based): chr1:237,809,008, A>G. VCF-style: chr1-237809008-A-G. GRCh37 (hg19) VCF-style: chr1-237972308-A-G.
Other names: c.14406A>G, p.Pro4802= (LRG_402t1).
Identifiers: ClinVar variation 384558 (VCV000384558.12), dbSNP rs767234031, ClinGen allele CA085653.

ClinVar aggregate classification (germline): Likely benign. Review status: criteria provided, multiple submitters, no conflicts (2 of 4 stars). 3 submissions from 3 submitters: Likely benign (3). Last evaluated 2025-10-08.

Conditions:
Cardiovascular phenotype. Identifiers: MedGen CN230736.
Catecholaminergic polymorphic ventricular tachycardia 1. Also called: RYR2-Related Catecholaminergic Polymorphic Ventricular Tachycardia; VENTRICULAR TACHYCARDIA, CATECHOLAMINERGIC POLYMORPHIC, 1, WITH OR WITHOUT ATRIAL DYSFUNCTION AND/OR DILATED CARDIOMYOPATHY; VENTRICULAR TACHYCARDIA, STRESS-INDUCED POLYMORPHIC 1. Identifiers: Orphanet 3286, MedGen C1631597, MONDO:0011484, OMIM 604772.

Allele frequency attached by ClinVar (database versions not stated): gnomAD exomes below 0.00001 and 0.00001; ExAC 0.00001; gnomAD 0.00002; TOPMed 0.00002.
gnomAD v4.1: 6 of 1,613,408 alleles (0.00037%); highest among the groups gnomAD compares: African/African-American, 0.0053%; no homozygotes.

Submissions (3):

Labcorp Genetics (formerly Invitae), Labcorp
Classification: Likely benign for Catecholaminergic polymorphic ventricular tachycardia 1. Last evaluated: 2025-10-08. Review status: criteria provided, single submitter. Criteria: Invitae Variant Classification Sherloc (09022015). Collection method: clinical testing. Allele origin: germline.

Ambry Genetics
Classification: Likely benign for Cardiovascular phenotype. Last evaluated: 2021-06-30. Review status: criteria provided, single submitter. Criteria: Ambry Variant Classification Scheme 2023. Collection method: clinical testing. Allele origin: germline.

GeneDx
Classification: Likely benign. Last evaluated: 2016-03-09. Review status: criteria provided, single submitter. Criteria: GeneDx Variant Classification (06012015). Collection method: clinical testing. Allele origin: germline. Affected: yes.
Comment: This variant is considered likely benign or benign based on one or more of the following criteria: it is a conservative change, it occurs at a poorly conserved position in the protein, it is predicted to be benign by multiple in silico algorithms, and/or has population frequency not consistent with disease.